The following is an entry in ClinVar:

ClinVar aggregate classification (germline): Uncertain significance (1 of 4 stars; one submission).

Submission:

GeneDx
Classification: Uncertain significance. Last evaluated: 2020-01-15. Review status: criteria provided, single submitter. Criteria: GeneDx Variant Classification Process June 2021. Collection method: clinical testing. Allele origin: germline. Affected: yes.
Comment: Not observed in large population cohorts (Lek et al., 2016); In silico analysis, which includes protein predictors and evolutionary conservation, supports a deleterious effect; Has not been previously published as pathogenic or benign to our knowledge

NM_014141.6(CNTNAP2):c.3944A>C (p.Asp1315Ala)

Gene: CNTNAP2 (contactin associated protein 2; plus strand). Cytogenetic location: 7q36.1.
Variant type: single nucleotide variant.
Coding change: c.3944A>C on transcript NM_014141.6 (MANE Select); coding-DNA position 3944, A replaced by C.
Protein change: p.Asp1315Ala; replaces aspartic acid 1315 with alanine.
Molecular consequence: missense variant.
Genome position (GRCh38, 1-based): chr7:148,415,564, A>C. VCF-style: chr7-148415564-A-C. GRCh37 (hg19) VCF-style: chr7-148112656-A-C.
Other names: short protein forms D1315A.
Identifiers: ClinVar variation 1318823 (VCV001318823.2), dbSNP rs2116730324, ClinGen allele CA369706946.
Genomic context (GRCh38, chr7:148,415,564, plus strand): 5'-CCAACGAAGCAAAGGGGGCGGAGTCGGCAGAGAGCGCGGACGCCGCCATCATGAACAACG[A>C]CCCCAACTTCACAGAGACCATTGATGAAAGCAAAAAGGAATGGCTCATTTGAGGGGTGGC-3'
Protein context (NP_054860.1, residues 1305-1325): ESADAAIMNN[Asp1315Ala]PNFTETIDES